The following is an entry in ClinVar:

ClinVar aggregate classification (germline): Uncertain significance (1 of 4 stars; one submission).

Conditions:
Congenital myasthenic syndrome 8. Also called: MYASTHENIC SYNDROME, CONGENITAL, DUE TO AGRIN DEFICIENCY; Myasthenic syndrome, congenital, 8, with pre- and postsynaptic defects. Identifiers: Orphanet 590, MedGen C3808739, MONDO:0014052, OMIM 615120.

Allele frequency attached by ClinVar (database versions not stated): gnomAD 0.00001; gnomAD exomes 0.00001; TOPMed below 0.00001; ExAC 0.00001.
gnomAD v4.1: 12 of 1,610,784 alleles (0.00074%); highest among the groups gnomAD compares: East Asian, 0.0045%; no homozygotes.

Submission:

Labcorp Genetics (formerly Invitae), Labcorp
Classification: Uncertain significance for Congenital myasthenic syndrome 8. Last evaluated: 2022-10-04. Review status: criteria provided, single submitter. Criteria: Invitae Variant Classification Sherloc (09022015). Collection method: clinical testing. Allele origin: germline.
Comment: Algorithms developed to predict the effect of sequence changes on RNA splicing suggest that this variant may create or strengthen a splice site. In summary, the available evidence is currently insufficient to determine the role of this variant in disease. Therefore, it has been classified as a Variant of Uncertain Significance. Algorithms developed to predict the effect of missense changes on protein structure and function are either unavailable or do not agree on the potential impact of this missense change (SIFT: "Tolerated"; PolyPhen-2: "Possibly Damaging"; Align-GVGD: "Class C0"). ClinVar contains an entry for this variant (Variation ID: 1404458). This variant has not been reported in the literature in individuals affected with AGRN-related conditions. This variant is present in population databases (rs759676959, gnomAD 0.007%). This sequence change replaces alanine, which is neutral and non-polar, with valine, which is neutral and non-polar, at codon 354 of the AGRN protein (p.Ala354Val).

NM_198576.4(AGRN):c.1061C>T (p.Ala354Val)

Gene: AGRN (agrin; plus strand). Cytogenetic location: 1p36.33.
Variant type: single nucleotide variant.
Coding change: c.1061C>T on transcript NM_198576.4 (MANE Select); coding-DNA position 1061, C replaced by T.
Protein change: p.Ala354Val; replaces alanine 354 with valine.
Molecular consequence: missense variant.
Genome position (GRCh38, 1-based): chr1:1,041,586, C>T. VCF-style: chr1-1041586-C-T. GRCh37 (hg19) VCF-style: chr1-976966-C-T.
Other names: c.1061C>T, p.Ala354Val (NM_001305275.2); c.746C>T, p.Ala249Val (NM_001364727.2); short protein forms A249V, A354V.
Identifiers: ClinVar variation 1404458 (VCV001404458.6), dbSNP rs759676959, ClinGen allele CA507998.